The following is an entry in ClinVar:

ClinVar aggregate classification (germline): Uncertain significance. Review status: criteria provided, multiple submitters, no conflicts (2 of 4 stars). 2 submissions from 2 submitters: Uncertain significance (2). Last evaluated 2025-02-26.

Allele frequency attached by ClinVar (database versions not stated): gnomAD 0.00001; gnomAD exomes 0.00002 and 0.00003; ExAC 0.00003; TOPMed 0.00003.

Submissions (2):

Ambry Genetics
Classification: Uncertain significance. Last evaluated: 2025-02-26. Review status: criteria provided, single submitter. Criteria: Ambry Variant Classification Scheme 2023. Collection method: clinical testing. Allele origin: germline.

Labcorp Genetics (formerly Invitae), Labcorp
Classification: Uncertain significance. Last evaluated: 2021-11-25. Review status: criteria provided, single submitter. Criteria: Invitae Variant Classification Sherloc (09022015). Collection method: clinical testing. Allele origin: germline.
Comment: This sequence change replaces methionine, which is neutral and non-polar, with leucine, which is neutral and non-polar, at codon 1489 of the CACNA1B protein (p.Met1489Leu). This variant is present in population databases (rs746804730, gnomAD 0.004%). This variant has not been reported in the literature in individuals affected with CACNA1B-related conditions. Algorithms developed to predict the effect of missense changes on protein structure and function are either unavailable or do not agree on the potential impact of this missense change (SIFT: "Tolerated"; PolyPhen-2: "Possibly Damaging"; Align-GVGD: "Class C0"). In summary, the available evidence is currently insufficient to determine the role of this variant in disease. Therefore, it has been classified as a Variant of Uncertain Significance.

NM_000718.4(CACNA1B):c.4465A>C (p.Met1489Leu)

Gene: CACNA1B (calcium voltage-gated channel subunit alpha1 B; plus strand). Cytogenetic location: 9q34.3.
Variant type: single nucleotide variant.
Coding change: c.4465A>C on transcript NM_000718.4 (MANE Select); coding-DNA position 4465, A replaced by C.
Protein change: p.Met1489Leu; replaces methionine 1489 with leucine.
Molecular consequence: missense variant.
Genome position (GRCh38, 1-based): chr9:138,058,725, A>C. VCF-style: chr9-138058725-A-C. GRCh37 (hg19) VCF-style: chr9-140953177-A-C.
Other names: c.4465A>C, p.Met1489Leu (NM_001243812.2); c.4465A>C (NM_000718.3); short protein forms M1489L.
Identifiers: ClinVar variation 1405863 (VCV001405863.4), dbSNP rs746804730, ClinGen allele CA5376989.